The following is an entry in ClinVar:

ClinVar aggregate classification (germline): Uncertain significance. Review status: criteria provided, multiple submitters, no conflicts (2 of 4 stars). 2 submissions from 2 submitters: Uncertain significance (2). Last evaluated 2025-06-06.

Conditions:
Cardiovascular phenotype. Identifiers: MedGen CN230736.
Atrial fibrillation, familial, 14 (ATFB14). Identifiers: MedGen C3809312, MONDO:0014156, OMIM 615378.

gnomAD v4.1: 29 of 1,613,902 alleles (0.0018%); highest among the groups gnomAD compares: South Asian, 0.031%; no homozygotes.

Submissions (2):

Labcorp Genetics (formerly Invitae), Labcorp
Classification: Uncertain significance for Atrial fibrillation, familial, 14. Last evaluated: 2025-06-06. Review status: criteria provided, single submitter. Criteria: Invitae Variant Classification Sherloc (09022015). Collection method: clinical testing. Allele origin: germline.
Comment: This sequence change replaces alanine, which is neutral and non-polar, with proline, which is neutral and non-polar, at codon 171 of the SCN2B protein (p.Ala171Pro). This variant is present in population databases (rs758440956, gnomAD 0.02%). This variant has not been reported in the literature in individuals affected with SCN2B-related conditions. ClinVar contains an entry for this variant (Variation ID: 1745467). An algorithm developed to predict the effect of missense changes on protein structure and function (PolyPhen-2) suggests that this variant is likely to be disruptive. In summary, the available evidence is currently insufficient to determine the role of this variant in disease. Therefore, it has been classified as a Variant of Uncertain Significance.

Ambry Genetics
Classification: Uncertain significance for Cardiovascular phenotype. Last evaluated: 2022-02-16. Review status: criteria provided, single submitter. Criteria: Ambry Variant Classification Scheme 2023. Collection method: clinical testing. Allele origin: germline.
Comment: The p.A171P variant (also known as c.511G>C), located in coding exon 4 of the SCN2B gene, results from a G to C substitution at nucleotide position 511. The alanine at codon 171 is replaced by proline, an amino acid with highly similar properties. This amino acid position is conserved. In addition, this alteration is predicted to be deleterious by in silico analysis. Since supporting evidence is limited at this time, the clinical significance of this alteration remains unclear.

NM_004588.5(SCN2B):c.511G>C (p.Ala171Pro)

Gene: SCN2B (sodium voltage-gated channel beta subunit 2; minus strand). Cytogenetic location: 11q23.3.
Variant type: single nucleotide variant.
Coding change: c.511G>C on transcript NM_004588.5 (MANE Select); coding-DNA position 511, G replaced by C.
Protein change: p.Ala171Pro; replaces alanine 171 with proline.
Molecular consequence: missense variant.
Genome position (GRCh38, 1-based): chr11:118,167,024, C>G on the plus strand (G>C on the coding strand, the complement: SCN2B is on the minus strand). VCF-style: chr11-118167024-C-G. GRCh37 (hg19) VCF-style: chr11-118037739-C-G.
Other names: short protein forms A171P.
Identifiers: ClinVar variation 1745467 (VCV001745467.3), dbSNP rs758440956, ClinGen allele CA6300417.